The following is an entry in ClinVar:

NM_001042492.3(NF1):c.6820-2del

Gene: NF1 (neurofibromin 1; plus strand). Cytogenetic location: 17q11.2.
Variant type: Deletion.
Coding change: c.6820-2del on transcript NM_001042492.3 (MANE Select); the canonical splice acceptor site of the intron before coding-DNA position 6820, one base deleted (A; older notation c.6820-2delA).
Molecular consequence: splice acceptor variant.
Genome position (GRCh38, 1-based): chr17:31,338,702, A deleted; the last of 4 consecutive A bases (chr17:31,338,699-31,338,702); deleting any one gives the same sequence. VCF-style (leftmost placement, unchanged base first): chr17-31338698-TA-T. GRCh37 (hg19) VCF-style: chr17-29665716-TA-T.
Other names: c.6757-2delA (NM_000267.3); c.6757-2del (NM_000267.4).
Identifiers: ClinVar variation 3237899 (VCV003237899.1), dbSNP rs2508762309.

ClinVar aggregate classification (germline): Uncertain significance (1 of 4 stars; one submission).

Conditions:
Hereditary cancer-predisposing syndrome. Also called: Neoplastic Syndromes, Hereditary; Tumor predisposition; Hereditary neoplastic syndrome; Hereditary Cancer Syndrome. Identifiers: Orphanet 140162, MedGen C0027672, MeSH D009386, MONDO:0015356.
Cardiovascular phenotype. Identifiers: MedGen CN230736.

Submission:

Ambry Genetics
Classification: Uncertain significance for Cardiovascular phenotype; Hereditary cancer-predisposing syndrome. Last evaluated: 2023-11-13. Review status: criteria provided, single submitter. Criteria: Ambry Variant Classification Scheme 2023. Collection method: clinical testing. Allele origin: germline.
Comment: The c.6757-2delA intronic variant is located 2 nucleotide(s) before coding exon 45 of the NF1 gene. This variant results from a deletion of one nucleotide at position c.6757-2. This variant does not change the sequence of the canonical acceptor at this splice site. This nucleotide position is highly conserved in available vertebrate species. In silico splice site analysis predicts that this alteration will not have any significant effect on splicing. Since supporting evidence is limited at this time, the clinical significance of this alteration remains unclear.